The following is an entry in ClinVar:

NM_005560.6(LAMA5):c.1798G>A (p.Asp600Asn)

Gene: LAMA5 (laminin subunit alpha 5; minus strand). Cytogenetic location: 20q13.33.
Variant type: single nucleotide variant.
Coding change: c.1798G>A on transcript NM_005560.6 (MANE Select); coding-DNA position 1798, G replaced by A.
Protein change: p.Asp600Asn; replaces aspartic acid 600 with asparagine.
Molecular consequence: missense variant.
Genome position (GRCh38, 1-based): chr20:62,338,109, C>T on the plus strand (G>A on the coding strand, the complement: LAMA5 is on the minus strand). VCF-style: chr20-62338109-C-T. GRCh37 (hg19) VCF-style: chr20-60913165-C-T.
Other names: short protein forms D600N.
Identifiers: ClinVar variation 3357818 (VCV003357818.4).
Genomic context (GRCh38, chr20:62,338,109, plus strand): 5'-GGCACCGGTCACAATGAGGTCCAGCAAACTCAGGCTGGCATAGGCAGCGGCCGGCCTCAT[C>T]GCAGCCCTCGGGCAAGGTTCCTGCAGGGCTGCAGCCACACACTGCAGAGCGGAGCGGGTG-3'
Protein context (NP_005551.3, residues 590-610): SPAGTLPEGC[Asp600Asn]EAGRCLCQPE

ClinVar aggregate classification (germline): Uncertain significance. Review status: criteria provided, multiple submitters, no conflicts (2 of 4 stars). 3 submissions from 3 submitters: Uncertain significance (2). 1 of the submissions does not count toward it. Last evaluated 2026-11-24.

Conditions:
Glomerulonephritis. Also called: Glomerulonephritis (disease). Identifiers: MedGen C0017658, MONDO:0002462, HP:0000099.
LAMA5-related disorder. Also called: LAMA5-Related Disorders; LAMA5-related condition.

gnomAD v4.1: 32 of 1,598,492 alleles (0.002%); highest among the groups gnomAD compares: Non-Finnish European, 0.0023%; no homozygotes.

Submissions (3):

Clinical Genetics Laboratory, Skane University Hospital Lund
Classification: Uncertain significance for Glomerulonephritis. Last evaluated: 2026-11-24. Review status: criteria provided, single submitter. Criteria: ACMG Guidelines, 2015. Collection method: clinical testing. Allele origin: germline. Affected: yes. Observed: 1 variant allele.

Labcorp Genetics (formerly Invitae), Labcorp
Classification: Uncertain significance. Last evaluated: 2025-03-31. Review status: criteria provided, single submitter. Criteria: Invitae Variant Classification Sherloc (09022015). Collection method: clinical testing. Allele origin: germline.
Comment: This sequence change replaces aspartic acid, which is acidic and polar, with asparagine, which is neutral and polar, at codon 600 of the LAMA5 protein (p.Asp600Asn). This variant is present in population databases (rs750123159, gnomAD 0.005%). This variant has not been reported in the literature in individuals affected with LAMA5-related conditions. ClinVar contains an entry for this variant (Variation ID: 3357818). An algorithm developed to predict the effect of missense changes on protein structure and function (PolyPhen-2) suggests that this variant is likely to be disruptive. In summary, the available evidence is currently insufficient to determine the role of this variant in disease. Therefore, it has been classified as a Variant of Uncertain Significance.

PreventionGenetics, part of Exact Sciences
Classification: Uncertain significance for LAMA5-related condition. Last evaluated: 2024-08-11. Review status: no assertion criteria provided. Collection method: clinical testing. Allele origin: germline. Not counted in ClinVar's aggregate classification.
Comment: The LAMA5 c.1798G>A variant is predicted to result in the amino acid substitution p.Asp600Asn. To our knowledge, this variant has not been reported in the literature. This variant is reported in 0.0042% of alleles in individuals of European (Non-Finnish) descent in gnomAD. At this time, the clinical significance of this variant is uncertain due to the absence of conclusive functional and genetic evidence.